The following is an entry in ClinVar:

NM_003924.4(PHOX2B):c.515C>G (p.Ser172Trp)

Gene: PHOX2B (paired like homeobox 2B; minus strand). Cytogenetic location: 4p13.
Variant type: single nucleotide variant.
Coding change: c.515C>G on transcript NM_003924.4 (MANE Select); coding-DNA position 515, C replaced by G.
Protein change: p.Ser172Trp; replaces serine 172 with tryptophan.
Molecular consequence: missense variant.
Genome position (GRCh38, 1-based): chr4:41,746,237, G>C on the plus strand (C>G on the coding strand, the complement: PHOX2B is on the minus strand). VCF-style: chr4-41746237-G-C. GRCh37 (hg19) VCF-style: chr4-41748254-G-C.
Other names: short protein forms S172W.
Identifiers: ClinVar variation 847601 (VCV000847601.9), dbSNP rs1560465736, ClinGen allele CA356738406.

ClinVar aggregate classification (germline): Uncertain significance (1 of 4 stars; one submission).

Conditions:
Haddad syndrome (OHD). Also called: Ondine-Hirschsprung disease. Identifiers: Orphanet 99803, MedGen C1859049, MONDO:0020493.

Allele frequency attached by ClinVar (database versions not stated): gnomAD exomes below 0.00001.

Submission:

Labcorp Genetics (formerly Invitae), Labcorp
Classification: Uncertain significance for Haddad syndrome. Last evaluated: 2019-03-25. Review status: criteria provided, single submitter. Criteria: Invitae Variant Classification Sherloc (09022015). Collection method: clinical testing. Allele origin: germline.
Comment: This variant is not present in population databases (ExAC no frequency). In summary, the available evidence is currently insufficient to determine the role of this variant in disease. Therefore, it has been classified as a Variant of Uncertain Significance. This variant has not been reported in the literature in individuals with PHOX2B-related conditions. This sequence change replaces serine with tryptophan at codon 172 of the PHOX2B protein (p.Ser172Trp). The serine residue is highly conserved and there is a large physicochemical difference between serine and tryptophan.